The following is an entry in ClinVar:

NM_002471.4(MYH6):c.679G>A (p.Ala227Thr)

Gene: MYH6 (myosin heavy chain 6; minus strand). Cytogenetic location: 14q11.2.
Variant type: single nucleotide variant.
Coding change: c.679G>A on transcript NM_002471.4 (MANE Select); coding-DNA position 679, G replaced by A.
Protein change: p.Ala227Thr; replaces alanine 227 with threonine.
Molecular consequence: missense variant.
Genome position (GRCh38, 1-based): chr14:23,404,352, C>T on the plus strand (G>A on the coding strand, the complement: MYH6 is on the minus strand). VCF-style: chr14-23404352-C-T. GRCh37 (hg19) VCF-style: chr14-23873561-C-T.
Other names: short protein forms A227T.
Identifiers: ClinVar variation 164254 (VCV000164254.20), dbSNP rs201828188, ClinGen allele CA176965.

ClinVar aggregate classification (germline): Uncertain significance. Review status: criteria provided, multiple submitters, no conflicts (2 of 4 stars). 5 submissions from 5 submitters: Uncertain significance (5). Last evaluated 2026-09-23.

Conditions:
Cardiovascular phenotype. Identifiers: MedGen CN230736.
MYH6-related disorder. Also called: MYH6-Related Disorders; MYH6-related condition.
Hypertrophic cardiomyopathy 14. Identifiers: MedGen C2750467, MONDO:0013197, OMIM 613251.

Allele frequency attached by ClinVar (database versions not stated): gnomAD exomes 0.00001 and 0.00003; ExAC 0.00002; gnomAD 0.00005 and 0.00007; 1000 Genomes Project 0.00020; TOPMed 0.00021; 1000 Genomes Project 30x 0.00031.

Submissions (5):

PreventionGenetics, part of Exact Sciences
Classification: Uncertain significance for MYH6-related condition. Last evaluated: 2026-09-23. Review status: criteria provided, single submitter. Criteria: ACMG Guidelines, 2015. Collection method: clinical testing. Allele origin: germline.
Comment: The MYH6 c.679G>A variant is predicted to result in the amino acid substitution p.Ala227Thr. This variant has been reported in individuals with dilated cardiomyopathy, in a stillborn infant, and in individuals with heart defects (Burstein et al. 2021. PubMed ID: 32746448; Ware et al. 2022. PubMed ID: 35026164; Merc et al. 2024. PubMed ID: 38813989; Table S4, Sierant et al. 2025. PubMed ID: 40127276). This variant is reported in 0.013% of alleles in individuals of South Asian descent in gnomAD and is interpreted as uncertain in ClinVar (Variation ID: 164254). At this time, the clinical significance of this variant is uncertain due to the absence of conclusive functional and genetic evidence.

Labcorp Genetics (formerly Invitae), Labcorp
Classification: Uncertain significance for Hypertrophic cardiomyopathy 14. Last evaluated: 2025-11-12. Review status: criteria provided, single submitter. Criteria: Invitae Variant Classification Sherloc (09022015). Collection method: clinical testing. Allele origin: germline.
Comment: This sequence change replaces alanine, which is neutral and non-polar, with threonine, which is neutral and polar, at codon 227 of the MYH6 protein (p.Ala227Thr). This variant is present in population databases (rs201828188, gnomAD 0.01%). This missense change has been observed in individual(s) with dilated cardiomyopathy (PMID: 32746448, 35026164). ClinVar contains an entry for this variant (Variation ID: 164254). Invitae Evidence Modeling of protein sequence and biophysical properties (such as structural, functional, and spatial information, amino acid conservation, physicochemical variation, residue mobility, and thermodynamic stability) indicates that this missense variant is not expected to disrupt MYH6 protein function with a negative predictive value of 80%. In summary, the available evidence is currently insufficient to determine the role of this variant in disease. Therefore, it has been classified as a Variant of Uncertain Significance.

Ambry Genetics
Classification: Uncertain significance for Cardiovascular phenotype. Last evaluated: 2024-10-09. Review status: criteria provided, single submitter. Criteria: Ambry Variant Classification Scheme 2023. Collection method: clinical testing. Allele origin: germline.
Comment: The p.A227T variant (also known as c.679G>A), located in coding exon 6 of the MYH6 gene, results from a G to A substitution at nucleotide position 679. The alanine at codon 227 is replaced by threonine, an amino acid with similar properties. This amino acid position is well conserved in available vertebrate species. In addition, this alteration is predicted to be tolerated by in silico analysis. Based on the available evidence, the clinical significance of this variant remains unclear.

GeneDx
Classification: Uncertain significance. Last evaluated: 2024-08-30. Review status: criteria provided, single submitter. Criteria: GeneDx Variant Classification Process June 2021. Collection method: clinical testing. Allele origin: germline. Affected: yes.
Comment: In silico analysis indicates that this missense variant does not alter protein structure/function; This variant is associated with the following publications: (PMID: 32746448)

Laboratory for Molecular Medicine, Mass General Brigham Personalized Medicine
Classification: Uncertain significance. Last evaluated: 2013-06-14. Review status: criteria provided, single submitter. Criteria: LMM Criteria. Collection method: clinical testing. Allele origin: germline. Observed: 1 variant allele.
Comment: The Ala227Thr variant in MYH6 has not been reported in individuals with cardiomy opathy, but has been identified in 1.8% (2/110) of Puerto Rican chromosomes by t he 1000 Genomes Project (dbSNP rs201828188). Computational analyses (biochemical amino acid properties, conservation, AlignGVGD, PolyPhen2, and SIFT) do not pro vide strong support for or against an impact to the protein. The presence of thi s variant in the general population raises the possibility that it may be benign but this additional information is needed to establish this with confidence

Literature cited by the submitters: PubMed 32746448 (cited by Labcorp Genetics (formerly Invitae), Labcorp and Ambry Genetics); PubMed 35026164 (cited by Labcorp Genetics (formerly Invitae), Labcorp and Ambry Genetics); PubMed 34805759 (cited by Ambry Genetics).